The following is an entry in ClinVar:

ClinVar aggregate classification (germline): Likely benign (1 of 4 stars; one submission).

gnomAD v4.1: 2 of 1,587,884 alleles (0.00013%); highest among the groups gnomAD compares: South Asian, 0.0022%; no homozygotes.

Submission:

CeGaT Center for Human Genetics Tuebingen
Classification: Likely benign. Last evaluated: 2026-05-01. Review status: criteria provided, single submitter. Criteria: CeGaT Center For Human Genetics Tuebingen Variant Classification Criteria Version 2. Collection method: clinical testing. Allele origin: germline. Affected: yes. Observed: 1 variant allele.
Comment: PPFIA1: BP4, BP7

NM_003626.5(PPFIA1):c.582G>A (p.Glu194=)

Genes: PPFIA1 (PPFI scaffold protein A1; plus strand), LOC105369373 (uncharacterized LOC105369373; minus strand). Cytogenetic location: 11q13.3.
Variant type: single nucleotide variant.
Coding change: c.582G>A on transcript NM_003626.5 (MANE Select); coding-DNA position 582, G replaced by A.
Protein change: p.Glu194=; no amino-acid change (glutamic acid 194 retained).
Molecular consequence: synonymous variant. On other transcripts: non-coding transcript variant (1).
Genome position (GRCh38, 1-based): chr11:70,325,550, G>A. VCF-style: chr11-70325550-G-A. GRCh37 (hg19) VCF-style: chr11-70171656-G-A.
Other names: c.582G>A, p.Glu194= (NM_001378006.1, NM_177423.3).
Identifiers: ClinVar variation 4873524 (VCV004873524.2).